The following is an entry in ClinVar:

NM_001370259.2(MEN1):c.812G>C (p.Gly271Ala)

Gene: MEN1 (menin 1; minus strand). Cytogenetic location: 11q13.1.
Variant type: single nucleotide variant.
Coding change: c.812G>C on transcript NM_001370259.2 (MANE Select); coding-DNA position 812, G replaced by C.
Protein change: p.Gly271Ala; replaces glycine 271 with alanine.
Molecular consequence: missense variant.
Genome position (GRCh38, 1-based): chr11:64,807,191, C>G on the plus strand (G>C on the coding strand, the complement: MEN1 is on the minus strand). VCF-style: chr11-64807191-C-G. GRCh37 (hg19) VCF-style: chr11-64574663-C-G.
Other names: c.812G>C, p.Gly271Ala (NM_001370261.2, NM_130799.3, NM_001370251.2 and 1 more transcripts); c.707G>C, p.Gly236Ala (NM_001370262.2, NM_001370263.2); c.827G>C, p.Gly276Ala (NM_130800.3, NM_130801.3, NM_130802.3 and 3 more transcripts); short protein forms G276A, G236A, G271A.
Identifiers: ClinVar variation 938572 (VCV000938572.9), dbSNP rs1941792670, ClinGen allele CA381183914.

ClinVar aggregate classification (germline): Uncertain significance (1 of 4 stars; one submission).

Conditions:
Multiple endocrine neoplasia, type 1 (MEN1). Also called: MEN I; WERMER SYNDROME; Endocrine adenomatosis multiple; MEN 1; MEA I. Identifiers: Orphanet 652, MedGen C0025267, MeSH D018761, MONDO:0007540, OMIM 131100.

Submission:

Labcorp Genetics (formerly Invitae), Labcorp
Classification: Uncertain significance for Multiple endocrine neoplasia, type 1. Last evaluated: 2025-09-21. Review status: criteria provided, single submitter. Criteria: Invitae Variant Classification Sherloc (09022015). Collection method: clinical testing. Allele origin: germline.
Comment: This sequence change replaces glycine, which is neutral and non-polar, with alanine, which is neutral and non-polar, at codon 271 of the MEN1 protein (p.Gly271Ala). This variant is not present in population databases (gnomAD no frequency). This variant has not been reported in the literature in individuals affected with MEN1-related conditions. ClinVar contains an entry for this variant (Variation ID: 938572). Invitae Evidence Modeling of protein sequence and biophysical properties (such as structural, functional, and spatial information, amino acid conservation, physicochemical variation, residue mobility, and thermodynamic stability) indicates that this missense variant is expected to disrupt MEN1 protein function with a positive predictive value of 95%. In summary, the available evidence is currently insufficient to determine the role of this variant in disease. Therefore, it has been classified as a Variant of Uncertain Significance.